The following is an entry in ClinVar:

ClinVar aggregate classification (germline): Pathogenic/Likely pathogenic. Review status: criteria provided, multiple submitters, no conflicts (2 of 4 stars). 6 submissions from 6 submitters: Pathogenic (2); Likely pathogenic (4). Last evaluated 2025-09-10.

Conditions:
DNAI2-related disorders.
Respiratory ciliopathies including non-CF bronchiectasis.
Primary ciliary dyskinesia. Also called: Ciliary dyskinesia. Identifiers: Orphanet 244, MedGen C0008780, MONDO:0016575, HP:0012265.
Primary ciliary dyskinesia 9. Also called: CILIARY DYSKINESIA, PRIMARY, 9, WITH OR WITHOUT SITUS INVERSUS. Identifiers: Orphanet 244, MedGen C2676235, MONDO:0012906, OMIM 612444.

Allele frequency attached by ClinVar (database versions not stated): ExAC 0.00001; gnomAD exomes 0.00001 and 0.00002; TOPMed 0.00001; gnomAD 0.00002.

Submissions (6):

Natera, Inc.
Classification: Likely pathogenic for Primary ciliary dyskinesia. Last evaluated: 2025-09-10. Review status: criteria provided, single submitter. Criteria: Natera Variant Classification Schema (03/2026). Collection method: clinical testing. Allele origin: germline.
Comment: The c.610+1G>A variant in DNAI2 is a canonical splice donor site variant predicted to affect pre-mRNA splicing, which may result in an abnormal transcript and altered protein product. This variant is expected to result in nonsense mediated decay, truncation, or a dysfunctional protein product. This variant is rare in the general population with a frequency below the threshold expected for the associated phenotype(s). Given the available evidence, this variant is classified as Likely Pathogenic.

Labcorp Genetics (formerly Invitae), Labcorp
Classification: Pathogenic for Primary ciliary dyskinesia. Last evaluated: 2025-08-12. Review status: criteria provided, single submitter. Criteria: Invitae Variant Classification Sherloc (09022015). Collection method: clinical testing. Allele origin: germline.
Comment: This sequence change affects a donor splice site in intron 5 of the DNAI2 gene. It is expected to disrupt RNA splicing. Variants that disrupt the donor or acceptor splice site typically lead to a loss of protein function (PMID: 16199547), and loss-of-function variants in DNAI2 are known to be pathogenic (PMID: 18950741, 23891469). This variant is present in population databases (rs758109864, gnomAD 0.004%). Disruption of this splice site has been observed in individuals with clinical features of primary ciliary dyskinesia (internal data). ClinVar contains an entry for this variant (Variation ID: 454939). Algorithms developed to predict the effect of sequence changes on RNA splicing suggest that this variant may disrupt the consensus splice site. For these reasons, this variant has been classified as Pathogenic.

NHS Central & South Genomic Laboratory Hub
Classification: Pathogenic for Respiratory ciliopathies including non-CF bronchiectasis. Last evaluated: 2024-07-01. Review status: criteria provided, single submitter. Criteria: ACMG Guidelines, 2015. Collection method: clinical testing. Allele origin: germline. Affected: yes.

Fulgent Genetics
Classification: Likely pathogenic for Primary ciliary dyskinesia 9. Last evaluated: 2024-06-17. Review status: criteria provided, single submitter. Criteria: ACMG Guidelines, 2015. Collection method: clinical testing. Allele origin: germline.

Blueprint Genetics
Classification: Likely pathogenic for DNAI2-related disorders. Last evaluated: 2024-06-10. Review status: criteria provided, single submitter. Criteria: ACMG Guidelines, 2015. Collection method: clinical testing. Allele origin: germline. Affected: yes. Observed: 3 variant alleles.

Ambry Genetics
Classification: Likely pathogenic for Primary ciliary dyskinesia. Last evaluated: 2014-10-08. Review status: criteria provided, single submitter. Criteria: Ambry Variant Classification Scheme 2023. Collection method: clinical testing. Allele origin: germline.
Comment: The c.610+1G>A intronic variant results from a G to A one nucleotide after coding exon 4 of the DNAI2 gene. This variant was not reported in population based cohorts in the following databases: Database of Single Nucleotide Polymorphisms (dbSNP), NHLBI Exome Sequencing Project (ESP), and 1000 Genomes Project. In the ESP, this variant was not observed in 6503 samples (13006 alleles) with coverage at this position. Based on nucleotide sequence alignment, this position is highly conserved in available vertebrate species. Using the BDGP and ESEfinder splice site prediction tools, this alteration is predicted to abolish the native splice donor site; however, direct evidence is unavailable. Alterations that disrupt the canonical splice donor site are typically deleterious in nature (ACMG Recommendations for Standards for Interpretation and Reporting of Sequence Variations. Revision 2007. Genet Med. 2008;10:294). Therefore, the c.610+1G>A variant is likely to be pathogenic.

Literature cited by the submitters: PubMed 16199547 (cited by Labcorp Genetics (formerly Invitae), Labcorp); PubMed 18950741 (cited by Labcorp Genetics (formerly Invitae), Labcorp); PubMed 23891469 (cited by Labcorp Genetics (formerly Invitae), Labcorp).

NM_023036.6(DNAI2):c.610+1G>A

Gene: DNAI2 (dynein axonemal intermediate chain 2; plus strand). Cytogenetic location: 17q25.1.
Variant type: single nucleotide variant.
Coding change: c.610+1G>A on transcript NM_023036.6 (MANE Select); the canonical splice donor site of the intron after coding-DNA position 610, G replaced by A.
Molecular consequence: splice donor variant.
Genome position (GRCh38, 1-based): chr17:74,289,737, G>A. VCF-style: chr17-74289737-G-A. GRCh37 (hg19) VCF-style: chr17-72285876-G-A.
Other names: c.610+1G>A (NM_023036.5, NM_001353167.2, NM_001172810.3).
Identifiers: ClinVar variation 454939 (VCV000454939.16), dbSNP rs758109864, ClinGen allele CA8745404.